The following is an entry in ClinVar:

NM_003227.4(TFR2):c.2245C>T (p.Arg749Trp)

Gene: TFR2 (transferrin receptor 2; minus strand). Cytogenetic location: 7q22.1.
Variant type: single nucleotide variant.
Coding change: c.2245C>T on transcript NM_003227.4 (MANE Select); coding-DNA position 2245, C replaced by T.
Protein change: p.Arg749Trp; replaces arginine 749 with tryptophan.
Molecular consequence: missense variant.
Genome position (GRCh38, 1-based): chr7:100,621,018, G>A on the plus strand (C>T on the coding strand, the complement: TFR2 is on the minus strand). VCF-style: chr7-100621018-G-A. GRCh37 (hg19) VCF-style: chr7-100218641-G-A.
Other names: c.1732C>T, p.Arg578Trp (NM_001206855.3); short protein forms R578W, R749W.
Identifiers: ClinVar variation 4805126 (VCV004805126.1).

ClinVar aggregate classification (germline): Uncertain significance (1 of 4 stars; one submission).

Conditions:
Hereditary hemochromatosis (HFE). Identifiers: MedGen C0392514, MONDO:0006507. Disease mechanism: loss of function.

gnomAD v4.1: 12 of 1,601,436 alleles (0.00075%); highest among the groups gnomAD compares: Admixed American, 0.0035%; no homozygotes.

Submission:

Labcorp Genetics (formerly Invitae), Labcorp
Classification: Uncertain significance for Hereditary hemochromatosis. Last evaluated: 2026-01-09. Review status: criteria provided, single submitter. Criteria: Invitae Variant Classification Sherloc (09022015). Collection method: clinical testing. Allele origin: germline.
Comment: This sequence change replaces arginine, which is basic and polar, with tryptophan, which is neutral and slightly polar, at codon 749 of the TFR2 protein (p.Arg749Trp). The frequency data for this variant in the population databases is considered unreliable, as metrics indicate poor data quality at this position in the gnomAD database. This variant has not been reported in the literature in individuals affected with TFR2-related conditions. Invitae Evidence Modeling of protein sequence and biophysical properties (such as structural, functional, and spatial information, amino acid conservation, physicochemical variation, residue mobility, and thermodynamic stability) indicates that this missense variant is not expected to disrupt TFR2 protein function with a negative predictive value of 95%. In summary, the available evidence is currently insufficient to determine the role of this variant in disease. Therefore, it has been classified as a Variant of Uncertain Significance.